The following is an entry in ClinVar:

ClinVar aggregate classification (germline): Uncertain significance. Review status: criteria provided, multiple submitters, no conflicts (2 of 4 stars). 2 submissions from 2 submitters: Uncertain significance (2). Last evaluated 2025-03-28.

Conditions:
Inborn genetic diseases. Identifiers: MedGen C0950123, MeSH D030342.

Submissions (2):

Ambry Genetics
Classification: Uncertain significance for Inborn genetic diseases. Last evaluated: 2025-03-28. Review status: criteria provided, single submitter. Criteria: Ambry Variant Classification Scheme 2023. Collection method: clinical testing. Allele origin: germline.

Greenwood Genetic Center Diagnostic Laboratories, Greenwood Genetic Center
Classification: Uncertain significance. Last evaluated: 2021-11-01. Review status: criteria provided, single submitter. Criteria: ACMG Guidelines, 2015. Collection method: clinical testing. Allele origin: germline. Affected: yes.
Comment: PM2

NM_005027.4(PIK3R2):c.151C>G (p.Pro51Ala)

Gene: PIK3R2 (phosphoinositide-3-kinase regulatory subunit 2; plus strand). Cytogenetic location: 19p13.11.
Variant type: single nucleotide variant.
Coding change: c.151C>G on transcript NM_005027.4 (MANE Select); coding-DNA position 151, C replaced by G.
Protein change: p.Pro51Ala; replaces proline 51 with alanine.
Molecular consequence: missense variant. On other transcripts: non-coding transcript variant (2).
Genome position (GRCh38, 1-based): chr19:18,156,030, C>G. VCF-style: chr19-18156030-C-G. GRCh37 (hg19) VCF-style: chr19-18266840-C-G.
Other names: c.151C>G (NM_005027.2); short protein forms P51A.
Identifiers: ClinVar variation 1334637 (VCV001334637.5), dbSNP rs2147945003, ClinGen allele CA404800295.